The following is an entry in ClinVar:

ClinVar aggregate classification (germline): Pathogenic/Likely pathogenic. Review status: criteria provided, multiple submitters, no conflicts (2 of 4 stars). 2 submissions from 2 submitters: Pathogenic (1); Likely pathogenic (1). Last evaluated 2024-01-24.

Conditions:
X-linked Alport syndrome (ATS1). Also called: COL4A5-Related Nephropathy; NEPHROPATHY AND DEAFNESS, X-LINKED. Identifiers: Orphanet 63, Orphanet 88917, MedGen C4746986, MONDO:0010520, OMIM 301050.

Submissions (2):

3billion
Classification: Pathogenic for X-linked Alport syndrome. Last evaluated: 2024-01-24. Review status: criteria provided, single submitter. Criteria: ACMG Guidelines, 2015. Collection method: clinical testing. Allele origin: germline. Affected: yes.
Comment: The variant is not observed in the gnomAD v2.1.1 dataset. Predicted Consequence/Location: Canonical splice site: predicted to alter splicing and result in a loss or disruption of normal protein function. Multiple pathogenic loss-of-function variants are reported downstream of the variant. In silico tools predict the variant to alter splicing and produce an abnormal transcript [Splice AI: 0.97 (spliceogenicity >=0.2, non-spliceogenicity <0.1)]. The variant has been reported to be associated with COL4A5 related disorder (ClinVar ID: VCV002130387 /PMID: 37100867). Therefore, this variant is classified as Pathogenic according to the recommendation of ACMG/AMP guideline.

Labcorp Genetics (formerly Invitae), Labcorp
Classification: Likely pathogenic. Last evaluated: 2023-04-29. Review status: criteria provided, single submitter. Criteria: Invitae Variant Classification Sherloc (09022015). Collection method: clinical testing. Allele origin: germline.
Comment: This variant has not been reported in the literature in individuals affected with COL4A5-related conditions. In summary, the currently available evidence indicates that the variant is pathogenic, but additional data are needed to prove that conclusively. Therefore, this variant has been classified as Likely Pathogenic. Algorithms developed to predict the effect of sequence changes on RNA splicing suggest that this variant may disrupt the consensus splice site. ClinVar contains an entry for this variant (Variation ID: 2130387). This variant is not present in population databases (gnomAD no frequency). This variant results in the deletion of part of exon 4 (c.275_276+2del) of the COL4A5 gene. It is expected to disrupt RNA splicing. Variants that disrupt the donor or acceptor splice site typically lead to a loss of protein function (PMID: 16199547), and loss-of-function variants in COL4A5 are known to be pathogenic (PMID: 9195222, 10752524, 14514738, 24854265, 26809805).

Literature cited by the submitters: PubMed 37100867 (cited by 3billion); PubMed 16199547 (cited by Labcorp Genetics (formerly Invitae), Labcorp); PubMed 9195222 (cited by Labcorp Genetics (formerly Invitae), Labcorp); PubMed 10752524 (cited by Labcorp Genetics (formerly Invitae), Labcorp); PubMed 14514738 (cited by Labcorp Genetics (formerly Invitae), Labcorp); PubMed 24854265 (cited by Labcorp Genetics (formerly Invitae), Labcorp); PubMed 26809805 (cited by Labcorp Genetics (formerly Invitae), Labcorp).

NM_033380.3(COL4A5):c.275_276+2del

Gene: COL4A5 (collagen type IV alpha 5 chain; plus strand). Cytogenetic location: Xq22.3.
Variant type: Deletion.
Coding change: c.275_276+2del on transcript NM_033380.3 (MANE Select); coding-DNA position 275 through the canonical splice donor site of the intron after coding-DNA position 276, 4 bases deleted (GAGT; older notation c.275_276+2delGAGT).
Molecular consequence: splice donor variant.
Genome position (GRCh38, 1-based): chrX:108,563,925-108,563,928, GAGT deleted. VCF-style (leftmost placement, unchanged base first): chrX-108563924-AGAGT-A. GRCh37 (hg19) VCF-style: chrX-107807154-AGAGT-A.
Other names: c.275_276+2del (NM_000495.5).
Identifiers: ClinVar variation 2130387 (VCV002130387.5), dbSNP rs2524179813, ClinGen allele CA2580100237.